The following is an entry in ClinVar:

NM_000302.4(PLOD1):c.1685C>T (p.Thr562Met)

Gene: PLOD1 (procollagen-lysine,2-oxoglutarate 5-dioxygenase 1; plus strand). Cytogenetic location: 1p36.22.
Variant type: single nucleotide variant.
Coding change: c.1685C>T on transcript NM_000302.4 (MANE Select); coding-DNA position 1685, C replaced by T.
Protein change: p.Thr562Met; replaces threonine 562 with methionine.
Molecular consequence: missense variant.
Genome position (GRCh38, 1-based): chr1:11,967,021, C>T. VCF-style: chr1-11967021-C-T. GRCh37 (hg19) VCF-style: chr1-12027078-C-T.
Other names: c.1826C>T, p.Thr609Met (NM_001316320.2); short protein forms T562M, T609M.
Identifiers: ClinVar variation 264138 (VCV000264138.10), dbSNP rs770120389, ClinGen allele CA598518.
Genomic context (GRCh38, chr1:11,967,021, plus strand): 5'-CTTGACTGAGTCCCTGCCCTCCCCAGCCCTGCCCGGATGTCTATTGGTTCCCCATCTTCA[C>T]GGAGGTGGCCTGTGATGAGCTGGTGGAGGAGATGGAGCACTTTGGCCAGTGGTCTCTGGG-3'
Protein context (NP_000293.2, residues 552-572): CPDVYWFPIF[Thr562Met]EVACDELVEE

ClinVar aggregate classification (germline): Uncertain significance. Review status: criteria provided, multiple submitters, no conflicts (2 of 4 stars). 3 submissions from 3 submitters: Uncertain significance (3). Last evaluated 2025-11-10.

Conditions:
Ehlers-Danlos syndrome, kyphoscoliotic type 1 (EDSKSCL1). Also called: Ehlers-Danlos syndrome, hydroxylysine-deficient; EHLERS-DANLOS SYNDROME, TYPE VIA; EHLERS-DANLOS SYNDROME, OCULAR-SCOLIOTIC TYPE; PLOD1-Related Kyphoscoliotic Ehlers-Danlos Syndrome. Identifiers: Orphanet 1900, MedGen C0268342, MONDO:0016002, OMIM 225400. Disease mechanism: loss of function.
Familial thoracic aortic aneurysm and aortic dissection (TAAD). Also called: Thoracic aortic aneurysms and dissections. Identifiers: Orphanet 91387, MedGen C4707243, MONDO:0019625.

Allele frequency attached by ClinVar (database versions not stated): gnomAD exomes 0.00004 and 0.00006; gnomAD 0.00004 and 0.00005; ExAC 0.00008; TOPMed 0.00009.
gnomAD v4.1: 66 of 1,613,800 alleles (0.0041%); highest among the groups gnomAD compares: Admixed American, 0.023%; no homozygotes.

Submissions (3):

Dasa
Classification: Uncertain significance for Ehlers-Danlos syndrome, kyphoscoliotic type 1. Last evaluated: 2025-11-10. Review status: criteria provided, single submitter. Criteria: DASA Assertion Criteria. Collection method: clinical testing. Allele origin: germline.
Comment: NM_000302.4(PLOD1):c.1685C>T (p.Thr562Met) is a missense variant that results in the substitution of threonine with methionine. This variant is rare in population databases. Computational prediction algorithms are consistent with a deleterious effect. The currently available literature and clinical evidence are not sufficient to establish a definitive association between this variant and the reported condition. Therefore, this variant is classified as a variant of uncertain significance.

Labcorp Genetics (formerly Invitae), Labcorp
Classification: Uncertain significance for Ehlers-Danlos syndrome, kyphoscoliotic type 1. Last evaluated: 2022-06-20. Review status: criteria provided, single submitter. Criteria: Invitae Variant Classification Sherloc (09022015). Collection method: clinical testing. Allele origin: germline.
Comment: This sequence change replaces threonine, which is neutral and polar, with methionine, which is neutral and non-polar, at codon 562 of the PLOD1 protein (p.Thr562Met). The frequency data for this variant in the population databases is considered unreliable, as metrics indicate poor data quality at this position in the gnomAD database. This variant has not been reported in the literature in individuals affected with PLOD1-related conditions. ClinVar contains an entry for this variant (Variation ID: 264138). Algorithms developed to predict the effect of missense changes on protein structure and function are either unavailable or do not agree on the potential impact of this missense change (SIFT: "Deleterious"; PolyPhen-2: "Probably Damaging"; Align-GVGD: "Class C15"). In summary, the available evidence is currently insufficient to determine the role of this variant in disease. Therefore, it has been classified as a Variant of Uncertain Significance.

Ambry Genetics
Classification: Uncertain significance for Familial thoracic aortic aneurysm and aortic dissection. Last evaluated: 2015-07-13. Review status: criteria provided, single submitter. Criteria: Ambry Variant Classification Scheme 2023. Collection method: clinical testing. Allele origin: germline.
Comment: The p.T562M variant (also known as c.1685C>T), located in coding exon 16 of the PLOD1 gene, results from a C to T substitution at nucleotide position 1685. The threonine at codon 562 is replaced by methionine, an amino acid with similar properties. This variant was not reported in population based cohorts in the following databases: Database of Single Nucleotide Polymorphisms (dbSNP), NHLBI Exome Sequencing Project (ESP), and 1000 Genomes Project. In the ESP, this variant was not observed in 6503 samples (13006 alleles) with coverage at this position. This amino acid position is highly conserved in mammals but not in all available vertebrate species. In addition, this alteration is predicted to be deleterious by in silico analysis. Since supporting evidence is limited at this time, the clinical significance of this variant remains unclear.